The following is an entry in ClinVar:

NM_181882.3(PRX):c.1664A>G (p.Lys555Arg)

Gene: PRX (periaxin; minus strand). Cytogenetic location: 19q13.2.
Variant type: single nucleotide variant.
Coding change: c.1664A>G on transcript NM_181882.3 (MANE Select); coding-DNA position 1664, A replaced by G.
Protein change: p.Lys555Arg; replaces lysine 555 with arginine.
Molecular consequence: missense variant. On other transcripts: 3 prime UTR variant (1).
Genome position (GRCh38, 1-based): chr19:40,396,688, T>C on the plus strand (A>G on the coding strand, the complement: PRX is on the minus strand). VCF-style: chr19-40396688-T-C. GRCh37 (hg19) VCF-style: chr19-40902595-T-C.
Other names: c.*1869A>G (NM_020956.2); short protein forms K555R.
Identifiers: ClinVar variation 1487123 (VCV001487123.8), dbSNP rs2145730296, ClinGen allele CA405897928.

ClinVar aggregate classification (germline): Uncertain significance (1 of 4 stars; one submission).

Conditions:
Charcot-Marie-Tooth disease type 4. Also called: Charcot-Marie-Tooth disease, type IV; Charcot-Marie-Tooth, Type 4. Identifiers: Orphanet 64749, MedGen C4082197, MONDO:0018995.

Submission:

Labcorp Genetics (formerly Invitae), Labcorp
Classification: Uncertain significance for Charcot-Marie-Tooth disease type 4. Last evaluated: 2020-11-21. Review status: criteria provided, single submitter. Criteria: Invitae Variant Classification Sherloc (09022015). Collection method: clinical testing. Allele origin: germline.
Comment: In summary, the available evidence is currently insufficient to determine the role of this variant in disease. Therefore, it has been classified as a Variant of Uncertain Significance. Algorithms developed to predict the effect of missense changes on protein structure and function are either unavailable or do not agree on the potential impact of this missense change (SIFT: "Tolerated"; PolyPhen-2: "Possibly Damaging"; Align-GVGD: "Class C0"). This sequence change replaces lysine with arginine at codon 555 of the PRX protein (p.Lys555Arg). The lysine residue is highly conserved and there is a small physicochemical difference between lysine and arginine. This variant is not present in population databases (ExAC no frequency). This variant has not been reported in the literature in individuals with PRX-related conditions.